The following is an entry in ClinVar:

NM_001005242.3(PKP2):c.121del (p.Ala41fs)

Gene: PKP2 (plakophilin 2; minus strand). Cytogenetic location: 12p11.21.
Variant type: Deletion.
Coding change: c.121del on transcript NM_001005242.3 (MANE Select); coding-DNA position 121, one base deleted (G; older notation c.121delG).
Protein change: p.Ala41fs; shifts the reading frame from alanine 41.
Molecular consequence: frameshift variant.
Genome position (GRCh38, 1-based): chr12:32,896,611, C deleted on the plus strand (G on the coding strand, the reverse complement: PKP2 is on the minus strand); the first of 2 consecutive C bases (chr12:32,896,611-32,896,612); deleting either gives the same sequence. VCF-style (leftmost placement, unchanged base first): chr12-32896610-GC-G. GRCh37 (hg19) VCF-style: chr12-33049544-GC-G.
Other names: c.120delG, p.Ala41Argfs (NM_001407155.1, NM_001407156.1, NM_001407157.1 and 1 more transcripts); c.-707delG (NM_001407158.1, NM_001407162.1); c.-471delG (NM_001407159.1, NM_001407160.1); c.121del, p.Ala41fs (NM_004572.4); short protein forms A41fs.
Identifiers: ClinVar variation 2087992 (VCV002087992.4), dbSNP rs2541384623, ClinGen allele CA2580085401.

ClinVar aggregate classification (germline): Pathogenic (1 of 4 stars; one submission).

Conditions:
Arrhythmogenic right ventricular dysplasia 9 (ARVD9). Also called: Arrhythmogenic Right Ventricular Dysplasia/Cardiomyopathy 9; ARRHYTHMOGENIC RIGHT VENTRICULAR DYSPLASIA, FAMILIAL, 9. Identifiers: MedGen C1836906, MONDO:0012180, OMIM 609040.

Submission:

Labcorp Genetics (formerly Invitae), Labcorp
Classification: Pathogenic for Arrhythmogenic right ventricular dysplasia 9. Last evaluated: 2022-01-19. Review status: criteria provided, single submitter. Criteria: Invitae Variant Classification Sherloc (09022015). Collection method: clinical testing. Allele origin: germline.
Comment: For these reasons, this variant has been classified as Pathogenic. This variant has not been reported in the literature in individuals affected with PKP2-related conditions. This variant is not present in population databases (gnomAD no frequency). This sequence change creates a premature translational stop signal (p.Ala41Argfs*71) in the PKP2 gene. It is expected to result in an absent or disrupted protein product. Loss-of-function variants in PKP2 are known to be pathogenic (PMID: 15489853, 23911551).

Literature cited by the submitters: PubMed 15489853; PubMed 23911551.